The following is an entry in ClinVar:

ClinVar aggregate classification (germline): Uncertain significance (1 of 4 stars; one submission).

Conditions:
Cortical dysplasia, complex, with other brain malformations 13. Also called: Intellectual disability, autosomal dominant 13. Identifiers: MedGen C3281202, MONDO:0013805, OMIM 614563.

Submission:

Laboratorio de Genetica e Diagnostico Molecular, Hospital Israelita Albert Einstein
Classification: Uncertain significance for Cortical dysplasia, complex, with other brain malformations 13. Last evaluated: 2021-05-27. Review status: criteria provided, single submitter. Criteria: ACMG Guidelines, 2015. Collection method: clinical testing. Allele origin: germline. Affected: yes.
Comment: ACMG classification criteria: PM2 moderate, PP2 supporting, BP4 supporting

NM_001376.5(DYNC1H1):c.2648A>G (p.Lys883Arg)

Gene: DYNC1H1 (dynein cytoplasmic 1 heavy chain 1; plus strand). Cytogenetic location: 14q32.31.
Variant type: single nucleotide variant.
Coding change: c.2648A>G on transcript NM_001376.5 (MANE Select); coding-DNA position 2648, A replaced by G.
Protein change: p.Lys883Arg; replaces lysine 883 with arginine.
Molecular consequence: missense variant.
Genome position (GRCh38, 1-based): chr14:101,987,562, A>G. VCF-style: chr14-101987562-A-G. GRCh37 (hg19) VCF-style: chr14-102453899-A-G.
Other names: short protein forms K883R.
Identifiers: ClinVar variation 1683572 (VCV001683572.2), dbSNP rs1157300034, ClinGen allele CA391027489.